The following is an entry in ClinVar:

NM_017636.4(TRPM4):c.863T>C (p.Ile288Thr)

Gene: TRPM4 (transient receptor potential cation channel subfamily M member 4; plus strand). Cytogenetic location: 19q13.33.
Variant type: single nucleotide variant.
Coding change: c.863T>C on transcript NM_017636.4 (MANE Select); coding-DNA position 863, T replaced by C.
Protein change: p.Ile288Thr; replaces isoleucine 288 with threonine.
Molecular consequence: missense variant. On other transcripts: 5 prime UTR variant (1).
Genome position (GRCh38, 1-based): chr19:49,171,582, T>C. VCF-style: chr19-49171582-T-C. GRCh37 (hg19) VCF-style: chr19-49674839-T-C.
Other names: c.863T>C, p.Ile288Thr (NM_001195227.2); c.518T>C, p.Ile173Thr (NM_001321281.2); c.-691T>C (NM_001321282.2); c.341T>C, p.Ile114Thr (NM_001321283.2); c.14T>C, p.Ile5Thr (NM_001321285.2); short protein forms I288T, I114T, I5T, I173T.
Identifiers: ClinVar variation 3726389 (VCV003726389.2).
Genomic context (GRCh38, chr19:49,171,582, plus strand): 5'-GGGTGAATATCCTGCCTTTTCTGACGTGATGAATAAAGAATGCCTTTATCCTGTAGCGAA[T>C]AGAGAACGCCACCCAGGCTCAGCTCCCATGTCTCCTCGTGGCTGGCTCAGGGGGAGCTGC-3'
Protein context (NP_060106.2, residues 278-298): IDGDEKMLTR[Ile288Thr]ENATQAQLPC

ClinVar aggregate classification (germline): Uncertain significance (1 of 4 stars; one submission).

Conditions:
Progressive familial heart block type IB (PFHB1B). Identifiers: Orphanet 871, MedGen C1970298, MONDO:0011474, OMIM 604559.

gnomAD v4.1: 2 of 1,614,000 alleles (0.00012%); highest among the groups gnomAD compares: South Asian, 0.0011%; no homozygotes.

Submission:

Labcorp Genetics (formerly Invitae), Labcorp
Classification: Uncertain significance for Progressive familial heart block type IB. Last evaluated: 2024-11-30. Review status: criteria provided, single submitter. Criteria: Invitae Variant Classification Sherloc (09022015). Collection method: clinical testing. Allele origin: germline.
Comment: This sequence change replaces isoleucine, which is neutral and non-polar, with threonine, which is neutral and polar, at codon 288 of the TRPM4 protein (p.Ile288Thr). This variant is not present in population databases (gnomAD no frequency). This variant has not been reported in the literature in individuals affected with TRPM4-related conditions. An algorithm developed to predict the effect of missense changes on protein structure and function (PolyPhen-2) suggests that this variant is likely to be tolerated. In summary, the available evidence is currently insufficient to determine the role of this variant in disease. Therefore, it has been classified as a Variant of Uncertain Significance.